The following is an entry in ClinVar:

NM_002204.4(ITGA3):c.1382+16A>G

Gene: ITGA3 (integrin subunit alpha 3; plus strand). Cytogenetic location: 17q21.33.
Variant type: single nucleotide variant.
Coding change: c.1382+16A>G on transcript NM_002204.4 (MANE Select); 16 bases into the intron after coding-DNA position 1382, A replaced by G.
Molecular consequence: intron variant.
Genome position (GRCh38, 1-based): chr17:50,074,296, A>G. VCF-style: chr17-50074296-A-G. GRCh37 (hg19) VCF-style: chr17-48151660-A-G.
Identifiers: ClinVar variation 4763081 (VCV004763081.1).

ClinVar aggregate classification (germline): Uncertain significance (1 of 4 stars; one submission).

gnomAD v4.1: 24 of 1,613,512 alleles (0.0015%); highest among the groups gnomAD compares: South Asian, 0.025%; no homozygotes.

Submission:

Labcorp Genetics (formerly Invitae), Labcorp
Classification: Uncertain significance. Last evaluated: 2025-06-19. Review status: criteria provided, single submitter. Criteria: Invitae Variant Classification Sherloc (09022015). Collection method: clinical testing. Allele origin: germline.
Comment: This sequence change falls in intron 9 of the ITGA3 gene. It does not directly change the encoded amino acid sequence of the ITGA3 protein. This variant is present in population databases (rs543346479, gnomAD 0.03%). This variant has not been reported in the literature in individuals affected with ITGA3-related conditions. Algorithms developed to predict the effect of sequence changes on RNA splicing suggest that this variant may create or strengthen a splice site. In summary, the available evidence is currently insufficient to determine the role of this variant in disease. Therefore, it has been classified as a Variant of Uncertain Significance.